The following is an entry in ClinVar:

NM_001457.4(FLNB):c.4671+3A>G

Gene: FLNB (filamin B; plus strand). Cytogenetic location: 3p14.3.
Variant type: single nucleotide variant.
Coding change: c.4671+3A>G on transcript NM_001457.4 (MANE Select); 3 bases into the intron after coding-DNA position 4671, A replaced by G.
Molecular consequence: intron variant.
Genome position (GRCh38, 1-based): chr3:58,134,775, A>G. VCF-style: chr3-58134775-A-G. GRCh37 (hg19) VCF-style: chr3-58120502-A-G.
Other names: c.4764+3A>G (NM_001164317.2); c.4671+3A>G (NM_001164318.2, NM_001164319.2).
Identifiers: ClinVar variation 1512679 (VCV001512679.6), dbSNP rs1160116833, ClinGen allele CA543251186.

ClinVar aggregate classification (germline): Uncertain significance (1 of 4 stars; one submission).

Allele frequency attached by ClinVar (database versions not stated): gnomAD exomes below 0.00001.
gnomAD v4.1: 2 of 1,613,754 alleles (0.00012%); highest among the groups gnomAD compares: Non-Finnish European, 0.00017%; no homozygotes.

Submission:

Labcorp Genetics (formerly Invitae), Labcorp
Classification: Uncertain significance. Last evaluated: 2024-10-21. Review status: criteria provided, single submitter. Criteria: Invitae Variant Classification Sherloc (09022015). Collection method: clinical testing. Allele origin: germline.
Comment: This sequence change falls in intron 27 of the FLNB gene. It does not directly change the encoded amino acid sequence of the FLNB protein. It affects a nucleotide within the consensus splice site. This variant is present in population databases (no rsID available, gnomAD 0.0009%). This variant has been observed in individual(s) with clinical features of FLNB-related conditions (internal data). In at least one individual the data is consistent with being in trans (on the opposite chromosome) from a pathogenic variant. ClinVar contains an entry for this variant (Variation ID: 1512679). Variants that disrupt the consensus splice site are a relatively common cause of aberrant splicing (PMID: 17576681, 9536098). Algorithms developed to predict the effect of sequence changes on RNA splicing suggest that this variant may disrupt the consensus splice site. In summary, the available evidence is currently insufficient to determine the role of this variant in disease. Therefore, it has been classified as a Variant of Uncertain Significance.

Literature cited by the submitters: PubMed 17576681; PubMed 9536098.